The following is an entry in ClinVar:

NM_015570.4(AUTS2):c.2494A>G (p.Lys832Glu)

Gene: AUTS2 (activator of transcription and developmental regulator AUTS2; plus strand). Cytogenetic location: 7q11.22.
Variant type: single nucleotide variant.
Coding change: c.2494A>G on transcript NM_015570.4 (MANE Select); coding-DNA position 2494, A replaced by G.
Protein change: p.Lys832Glu; replaces lysine 832 with glutamic acid.
Molecular consequence: missense variant.
Genome position (GRCh38, 1-based): chr7:70,787,394, A>G. VCF-style: chr7-70787394-A-G. GRCh37 (hg19) VCF-style: chr7-70252380-A-G.
Other names: c.2422A>G, p.Lys808Glu (NM_001127231.3); short protein forms K808E, K832E.
Identifiers: ClinVar variation 1310779 (VCV001310779.2), dbSNP rs2129561062, ClinGen allele CA367664200.

ClinVar aggregate classification (germline): Uncertain significance (1 of 4 stars; one submission).

Submission:

GeneDx
Classification: Uncertain significance. Last evaluated: 2019-08-29. Review status: criteria provided, single submitter. Criteria: GeneDx Variant Classification Process June 2021. Collection method: clinical testing. Allele origin: germline. Affected: yes.
Comment: Not observed in large population cohorts (Lek et al., 2016); In silico analysis, which includes protein predictors and evolutionary conservation, supports a deleterious effect; Has not been previously published as pathogenic or benign to our knowledge